The following is an entry in ClinVar:

ClinVar aggregate classification (germline): Pathogenic (1 of 4 stars; one submission).

Conditions:
Leukoencephalopathy, progressive, with ovarian failure (LKENP). Identifiers: Orphanet 99853, MedGen C4014588, MONDO:0014387, OMIM 615889.

Submission:

Victorian Clinical Genetics Services, Murdoch Childrens Research Institute
Classification: Pathogenic for Leukoencephalopathy, progressive, with ovarian failure. Last evaluated: 2022-06-24. Review status: criteria provided, single submitter. Criteria: ACMG Guidelines, 2015. Collection method: clinical testing. Allele origin: germline. Inheritance: Autosomal recessive inheritance.
Comment: Based on the classification scheme VCGS_Germline_v1.3.4, this variant is classified as Pathogenic. Following criteria are met: 0102 - Loss of function is a known mechanism of disease in this gene and is associated with combined oxidative phosphorylation deficiency 8 (MIM#614096) and leukoencephalopathy, progressive, with ovarian failure (MIM#615889). (I) 0106 - This gene is associated with autosomal recessive disease. (I) 0201 - Variant is predicted to cause nonsense-mediated decay (NMD) and loss of protein (premature termination codon is located at least 54 nucleotides upstream of the final exon-exon junction). (SP) 0251 - This variant is heterozygous. (I) 0304 - Variant is present in gnomAD (v2) <0.01 for a recessive condition (1 heterozygote, 0 homozygotes). (SP) 0701 - Other NMD-predicted variants comparable to the one identified in this case have very strong previous evidence for pathogenicity. These variants have been reported many times as pathogenic. and have been described in multiple individuals with leukodystrophy, and less commonly with mitochondrial disease (DECIPER, PMID: 35084689, PMID: 25058219). (SP) 0807 - This variant has no previous evidence of pathogenicity. (I) 0905 - No published segregation evidence has been identified for this variant. (I) 1007 - No published functional evidence has been identified for this variant. (I) Legend: (SP) - Supporting pathogenic, (I) - Information, (SB) - Supporting benign

Literature cited by the submitters: PubMed 25058219; PubMed 35084689.

NM_020745.4(AARS2):c.87_88dup (p.Leu30fs)

Gene: AARS2 (alanyl-tRNA synthetase 2, mitochondrial; minus strand). Cytogenetic location: 6p21.1.
Variant type: Duplication.
Coding change: c.87_88dup on transcript NM_020745.4 (MANE Select); coding-DNA positions 87 to 88, 2 bases duplicated (GC; older notation c.87_88dupGC).
Protein change: p.Leu30fs; shifts the reading frame from leucine 30.
Molecular consequence: frameshift variant.
Genome position (GRCh38, 1-based): chr6:44,313,236-44,313,237, GC duplicated on the plus strand (GC on the coding strand, the reverse complement: AARS2 is on the minus strand); duplicating any 2 consecutive bases within chr6:44,313,236-44,313,238 gives the same sequence; the c. name uses the placement nearest the transcript's 3' end. VCF-style (leftmost placement, unchanged base first): chr6-44313235-A-AGC. GRCh37 (hg19) VCF-style: chr6-44280972-A-AGC.
Other names: c.87_88dupGC (NM_020745.3); short protein forms L30fs.
Identifiers: ClinVar variation 1699307 (VCV001699307.3), dbSNP rs780686559, ClinGen allele CA3834743.